The following is an entry in ClinVar:

NM_001854.4(COL11A1):c.1572+1G>C

Gene: COL11A1 (collagen type XI alpha 1 chain; minus strand). Cytogenetic location: 1p21.1.
Variant type: single nucleotide variant.
Coding change: c.1572+1G>C on transcript NM_001854.4 (MANE Select); the canonical splice donor site of the intron after coding-DNA position 1572, G replaced by C.
Molecular consequence: splice donor variant.
Genome position (GRCh38, 1-based): chr1:103,014,510, C>G on the plus strand (G>C on the coding strand, the complement: COL11A1 is on the minus strand). VCF-style: chr1-103014510-C-G. GRCh37 (hg19) VCF-style: chr1-103480066-C-G.
Other names: c.1455+1G>C (NM_001190709.2); c.1608+1G>C (NM_080629.3); c.1224+1G>C (NM_080630.4).
Identifiers: ClinVar variation 1525650 (VCV001525650.6), dbSNP rs2101899230, ClinGen allele CA341179017.

ClinVar aggregate classification (germline): Likely pathogenic (1 of 4 stars; one submission).

Submission:

Labcorp Genetics (formerly Invitae), Labcorp
Classification: Likely pathogenic. Last evaluated: 2022-10-24. Review status: criteria provided, single submitter. Criteria: Invitae Variant Classification Sherloc (09022015). Collection method: clinical testing. Allele origin: germline.
Comment: Algorithms developed to predict the effect of sequence changes on RNA splicing suggest that this variant may disrupt the consensus splice site. ClinVar contains an entry for this variant (Variation ID: 1525650). This variant has not been reported in the literature in individuals affected with COL11A1-related conditions. This variant is not present in population databases (gnomAD no frequency). This sequence change affects a donor splice site in intron 13 of the COL11A1 gene. It is expected to disrupt RNA splicing. Variants that disrupt the donor or acceptor splice site typically lead to a loss of protein function (PMID: 16199547), and loss-of-function variants in COL11A1 are known to be pathogenic (PMID: 20513134, 21035103, 23922384, 25240749, 32427345, 32756486). In summary, the currently available evidence indicates that the variant is pathogenic, but additional data are needed to prove that conclusively. Therefore, this variant has been classified as Likely Pathogenic.

Literature cited by the submitters: PubMed 16199547; PubMed 20513134; PubMed 21035103; PubMed 23922384; PubMed 25240749; PubMed 32427345; PubMed 32756486.